The following is an entry in ClinVar:

ClinVar aggregate classification (germline): Likely benign. Review status: criteria provided, multiple submitters, no conflicts (2 of 4 stars). 4 submissions from 4 submitters: Likely benign (4). Last evaluated 2026-01-27.

Conditions:
Hypertrophic cardiomyopathy 1 (CMH1). Also called: Familial hypertrophic cardiomyopathy 1; MYH7-Related Familial Hypertrophic Cardiomyopathy. Identifiers: MedGen C3495498, MONDO:0008647, OMIM 192600.
Myosin storage myopathy (CMYO7A). Also called: SCAPULOPERONEAL MUSCULAR DYSTROPHY; SCAPULOPERONEAL SYNDROME, MYOPATHIC TYPE; MYOPATHY WITH LYSIS OF TYPE I MYOFIBRILS; MYOPATHY, HYALINE BODY, AUTOSOMAL DOMINANT; MYH7-related late-onset scapuloperoneal muscular dystrophy; Congenital myopathy 7A, myosin storage, autosomal dominant. Identifiers: Orphanet 437572, Orphanet 636965, MedGen C1842160, MONDO:0008409, OMIM 608358.
Congenital myopathy with fiber type disproportion. Also called: Congenital fiber-type disproportion; Congenital fiber-type disproportion myopathy. Identifiers: Orphanet 2020, MedGen C0546264, MONDO:0009711. Inheritance: all.
MYH7-related skeletal myopathy. Also called: Laing early-onset distal myopathy; Myopathy, distal, 1; MYOPATHY, DISTAL, EARLY-ONSET, AUTOSOMAL DOMINANT; MYOPATHY, LATE DISTAL HEREDITARY; Laing distal myopathy. Identifiers: Orphanet 59135, MedGen C4552004, MONDO:0008050, OMIM 160500.
Dilated cardiomyopathy 1S (CMD1S). Identifiers: Orphanet 154, Orphanet 54260, MedGen C1834481, MONDO:0013262, OMIM 613426.
Myopathy, myosin storage, autosomal recessive (CMYO7B). Also called: CONGENITAL MYOPATHY 7B, MYOSIN STORAGE, AUTOSOMAL RECESSIVE. Identifiers: Orphanet 636970, MedGen C1850709, MONDO:0009708, OMIM 255160.
Hypertrophic cardiomyopathy. Also called: HYPERTROPHIC MYOCARDIOPATHY. Identifiers: Orphanet 217569, MedGen C0007194, MeSH D002312, MONDO:0005045, HP:0001639.

Allele frequency attached by ClinVar (database versions not stated): gnomAD 0.00003; TOPMed 0.00006; ExAC 0.00007; 1000 Genomes Project 0.00020; 1000 Genomes Project 30x 0.00031.
gnomAD v4.1: 36 of 1,595,426 alleles (0.0023%); highest among the groups gnomAD compares: Admixed American, 0.058%; no homozygotes.

Submissions (4):

Labcorp Genetics (formerly Invitae), Labcorp
Classification: Likely benign for Hypertrophic cardiomyopathy. Last evaluated: 2026-01-27. Review status: criteria provided, single submitter. Criteria: Invitae Variant Classification Sherloc (09022015). Collection method: clinical testing. Allele origin: germline.

Fulgent Genetics
Classification: Likely benign for MYH7-related skeletal myopathy; Myosin storage myopathy; Hypertrophic cardiomyopathy 1; Myopathy, myosin storage, autosomal recessive; Congenital myopathy 4A, autosomal dominant; Dilated cardiomyopathy 1S. Last evaluated: 2022-05-02. Review status: criteria provided, single submitter. Criteria: ACMG Guidelines, 2015. Collection method: clinical testing. Allele origin: unknown.

GeneDx
Classification: Likely benign. Last evaluated: 2020-08-24. Review status: criteria provided, single submitter. Criteria: GeneDx Variant Classification Process June 2021. Collection method: clinical testing. Allele origin: germline. Affected: yes.

Laboratory for Molecular Medicine, Mass General Brigham Personalized Medicine
Classification: Likely benign. Last evaluated: 2014-07-16. Review status: criteria provided, single submitter. Criteria: LMM Criteria. Collection method: clinical testing. Allele origin: germline. Observed: 1 variant allele.
Comment: 895+12C>T in intron 10 of MYH7: This variant is not expected to have clinical si gnificance because it is not located within the splice consensus sequence. It h as also been identified in 1/128 Mexican chromosomes by the 1000 Genomes Project (dbSNP rs186276057).

NM_000257.4(MYH7):c.895+12C>T

Gene: MYH7 (myosin heavy chain 7; minus strand). Cytogenetic location: 14q11.2.
Variant type: single nucleotide variant.
Coding change: c.895+12C>T on transcript NM_000257.4 (MANE Select); 12 bases into the intron after coding-DNA position 895, C replaced by T.
Molecular consequence: intron variant.
Genome position (GRCh38, 1-based): chr14:23,430,889, G>A on the plus strand (C>T on the coding strand, the complement: MYH7 is on the minus strand). VCF-style: chr14-23430889-G-A. GRCh37 (hg19) VCF-style: chr14-23900098-G-A.
Identifiers: ClinVar variation 164383 (VCV000164383.21), dbSNP rs186276057, ClinGen allele CA016927.
Genomic context (GRCh38, chr14:23,430,889, plus strand): 5'-GAGTCCAGCCACAAGCAGAGGGGACCAGGTTGCCATGGAGATAGTTGGTCTCAGTCGGTG[G>A]CTCTGACTCACCCAGCAGCTCAGGCTTTTTGTTAGACAGGATTTGGTAGAAAATGTGATA-3'